The following is an entry in ClinVar:

ClinVar aggregate classification (germline): Likely benign. Review status: criteria provided, single submitter (1 of 4 stars). 2 submissions from 2 submitters: Likely benign (1). 1 of the submissions does not count toward it. Last evaluated 2024-09-03.

Conditions:
EPHB4-related disorder. Also called: EPHB4-related disorders; EPHB4-related condition.

Allele frequency attached by ClinVar (database versions not stated): TOPMed 0.00002; gnomAD 0.00003; gnomAD exomes 0.00006; ExAC 0.00010.
gnomAD v4.1: 78 of 1,456,096 alleles (0.0054%); highest among the groups gnomAD compares: Non-Finnish European, 0.0065%; no homozygotes.

Submissions (2):

Labcorp Genetics (formerly Invitae), Labcorp
Classification: Likely benign. Last evaluated: 2024-09-03. Review status: criteria provided, single submitter. Criteria: Invitae Variant Classification Sherloc (09022015). Collection method: clinical testing. Allele origin: germline.

PreventionGenetics, part of Exact Sciences
Classification: Likely benign for EPHB4-related condition. Last evaluated: 2019-02-22. Review status: no assertion criteria provided. Collection method: clinical testing. Allele origin: germline. Not counted in ClinVar's aggregate classification.
Comment: This variant is classified as likely benign based on ACMG/AMP sequence variant interpretation guidelines (Richards et al. 2015 PMID: 25741868, with internal and published modifications).

NM_004444.5(EPHB4):c.2485-9T>G

Genes: EPHB4 (EPH receptor B4; minus strand), LOC126860124 (CDK7 strongly-dependent group 2 enhancer GRCh37_chr7:100403701-100404900; plus strand). Cytogenetic location: 7q22.1.
Variant type: single nucleotide variant.
Coding change: c.2485-9T>G on transcript NM_004444.5 (MANE Select); 9 bases into the intron before coding-DNA position 2485, T replaced by G.
Molecular consequence: intron variant.
Genome position (GRCh38, 1-based): chr7:100,805,703, A>C on the plus strand (T>G on the coding strand, the complement: EPHB4 is on the minus strand). VCF-style: chr7-100805703-A-C. GRCh37 (hg19) VCF-style: chr7-100403325-A-C.
Identifiers: ClinVar variation 3035489 (VCV003035489.4), dbSNP rs755372079, ClinGen allele CA4392622.